The following is an entry in ClinVar:

NM_004092.4(ECHS1):c.582_589delinsCGGTGACT (p.Arg197Trp)

Gene: ECHS1 (enoyl-CoA hydratase, short chain 1; minus strand). Cytogenetic location: 10q26.3.
Variant type: Indel.
Coding change: c.582_589delinsCGGTGACT on transcript NM_004092.4 (MANE Select); coding-DNA positions 582 to 589, TGGTGACC replaced by CGGTGACT.
Protein change: p.Arg197Trp; replaces arginine 197 with tryptophan.
Molecular consequence: missense variant.
Genome position (GRCh38, 1-based): chr10:133,366,919-133,366,926, GGTCACCA replaced by AGTCACCG on the plus strand (TGGTGACC replaced by CGGTGACT on the coding strand, the reverse complement: ECHS1 is on the minus strand). VCF-style: chr10-133366919-GGTCACCA-AGTCACCG. GRCh37 (hg19) VCF-style: chr10-135180423-GGTCACCA-AGTCACCG.
Other names: c.582_589delTGGTGACCinsCGGTGACT (NM_004092.3); short protein forms R197W.
Identifiers: ClinVar variation 1194776 (VCV001194776.4), dbSNP rs2133440581, ClinGen allele CA2499220197.

ClinVar aggregate classification (germline): Likely pathogenic (1 of 4 stars; one submission).

Submission:

GeneDx
Classification: Likely pathogenic. Last evaluated: 2021-10-06. Review status: criteria provided, single submitter. Criteria: GeneDx Variant Classification Process June 2021. Collection method: clinical testing. Allele origin: germline. Affected: yes.
Comment: Has not been previously published as pathogenic or benign to our knowledge; In silico analysis supports that this missense variant has a deleterious effect on protein structure/function; In addition, in silico analysis supports a deleterious effect on splicing; Not observed at a significant frequency in large population cohorts (Lek et al., 2016)